The following is an entry in ClinVar:

NM_001093.4(ACACB):c.4447-9C>T

Gene: ACACB (acetyl-CoA carboxylase beta; plus strand). Cytogenetic location: 12q24.11.
Variant type: single nucleotide variant.
Coding change: c.4447-9C>T on transcript NM_001093.4 (MANE Select); 9 bases into the intron before coding-DNA position 4447, C replaced by T.
Molecular consequence: intron variant.
Genome position (GRCh38, 1-based): chr12:109,237,156, C>T. VCF-style: chr12-109237156-C-T. GRCh37 (hg19) VCF-style: chr12-109674961-C-T.
Other names: c.4447-9C>T (NM_001412734.1, NM_001412735.1); c.3820-9C>T (NM_001412737.1); c.3841-9C>T (NM_001412736.1, NM_001412739.1); c.3652-9C>T (NM_001412738.1).
Identifiers: ClinVar variation 3042940 (VCV003042940.2), dbSNP rs200463242, ClinGen allele CA6774414.

ClinVar aggregate classification (germline): Likely benign (0 of 4 stars; one submission).

Conditions:
ACACB-related disorder. Also called: ACACB-related condition.

Allele frequency attached by ClinVar (database versions not stated): 1000 Genomes Project 30x 0.00031; 1000 Genomes Project 0.00040; TOPMed 0.00068; gnomAD 0.00082; gnomAD exomes 0.00090; ExAC 0.00092; ESP Exome Variant Server 0.00092.
gnomAD v4.1: 1,438 of 1,613,984 alleles (0.089%); highest among the groups gnomAD compares: Admixed American, 0.15%; 2 homozygotes.

Submission:

PreventionGenetics, part of Exact Sciences
Classification: Likely benign for ACACB-related condition. Last evaluated: 2019-06-27. Review status: no assertion criteria provided. Collection method: clinical testing. Allele origin: germline.
Comment: This variant is classified as likely benign based on ACMG/AMP sequence variant interpretation guidelines (Richards et al. 2015 PMID: 25741868, with internal and published modifications).